The following is an entry in ClinVar:

ClinVar aggregate classification (germline): Uncertain significance (1 of 4 stars; one submission).

Submission:

Ambry Genetics
Classification: Uncertain significance. Last evaluated: 2024-12-27. Review status: criteria provided, single submitter. Criteria: Ambry Variant Classification Scheme 2023. Collection method: clinical testing. Allele origin: germline.
Comment: The p.Q1513L variant (also known as c.4538A>T), located in coding exon 19 of the WNK2 gene, results from an A to T substitution at nucleotide position 4538. The glutamine at codon 1513 is replaced by leucine, an amino acid with dissimilar properties. This amino acid position is conserved. In addition, this alteration is predicted to be tolerated by in silico analysis. Based on the available evidence, the clinical significance of this variant remains unclear.

NM_006648.4(WNK2):c.4538A>T (p.Gln1513Leu)

Gene: WNK2 (WNK lysine deficient protein kinase 2; plus strand). Cytogenetic location: 9q22.31.
Variant type: single nucleotide variant.
Coding change: c.4538A>T on transcript NM_006648.4 (MANE Select); coding-DNA position 4538, A replaced by T.
Protein change: p.Gln1513Leu; replaces glutamine 1513 with leucine.
Molecular consequence: missense variant.
Genome position (GRCh38, 1-based): chr9:93,289,292, A>T. VCF-style: chr9-93289292-A-T. GRCh37 (hg19) VCF-style: chr9-96051574-A-T.
Other names: c.4649A>T, p.Gln1550Leu (NM_001282394.3); short protein forms Q1550L, Q1513L.
Identifiers: ClinVar variation 3816643 (VCV003816643.1).